The following is an entry in ClinVar:

ClinVar aggregate classification (germline): Uncertain significance (1 of 4 stars; one submission).

Conditions:
Cardiovascular phenotype. Identifiers: MedGen CN230736.

Allele frequency attached by ClinVar (database versions not stated): TOPMed below 0.00001; gnomAD 0.00001; gnomAD exomes 0.00001.
gnomAD v4.1: 5 of 1,551,260 alleles (0.00032%); highest among the groups gnomAD compares: Non-Finnish European, 0.00044%; no homozygotes.

Submission:

Ambry Genetics
Classification: Uncertain significance for Cardiovascular phenotype. Last evaluated: 2025-12-02. Review status: criteria provided, single submitter. Criteria: Ambry Variant Classification Scheme 2023. Collection method: clinical testing. Allele origin: germline.
Comment: The p.N113T variant (also known as c.338A>C), located in coding exon 2 of the RBM20 gene, results from an A to C substitution at nucleotide position 338. The asparagine at codon 113 is replaced by threonine, an amino acid with similar properties. This amino acid position is well conserved in available vertebrate species; however, threonine is the reference amino acid in other vertebrate species. In addition, the in silico prediction for this alteration is inconclusive. Since supporting evidence is limited at this time, the clinical significance of this alteration remains unclear.

NM_001134363.3(RBM20):c.338A>C (p.Asn113Thr)

Gene: RBM20 (RNA binding motif protein 20; plus strand). Cytogenetic location: 10q25.2.
Variant type: single nucleotide variant.
Coding change: c.338A>C on transcript NM_001134363.3 (MANE Select); coding-DNA position 338, A replaced by C.
Protein change: p.Asn113Thr; replaces asparagine 113 with threonine.
Molecular consequence: missense variant.
Genome position (GRCh38, 1-based): chr10:110,780,947, A>C. VCF-style: chr10-110780947-A-C. GRCh37 (hg19) VCF-style: chr10-112540705-A-C.
Other names: short protein forms N113T.
Identifiers: ClinVar variation 1730874 (VCV001730874.3), dbSNP rs1377889874, ClinGen allele CA378379649.